The following is an entry in ClinVar:

ClinVar aggregate classification (germline): Likely benign. Review status: criteria provided, single submitter (1 of 4 stars). 2 submissions from 2 submitters: Likely benign (1). 1 of the submissions does not count toward it. Last evaluated 2018-02-25.

Conditions:
LRP1-related disorder. Also called: LRP1-related condition.

Allele frequency attached by ClinVar (database versions not stated): gnomAD exomes 0.00006; ESP Exome Variant Server 0.00008; ExAC 0.00009; TOPMed 0.00017; gnomAD 0.00021.
gnomAD v4.1: 96 of 1,606,066 alleles (0.006%); highest among the groups gnomAD compares: African/African-American, 0.057%; no homozygotes.

Submissions (2):

Labcorp Genetics (formerly Invitae), Labcorp
Classification: Likely benign. Last evaluated: 2018-02-25. Review status: criteria provided, single submitter. Criteria: Invitae Variant Classification Sherloc (09022015). Collection method: clinical testing. Allele origin: germline.

PreventionGenetics, part of Exact Sciences
Classification: Likely benign for LRP1-related condition. Last evaluated: 2019-07-01. Review status: no assertion criteria provided. Collection method: clinical testing. Allele origin: germline. Not counted in ClinVar's aggregate classification.
Comment: This variant is classified as likely benign based on ACMG/AMP sequence variant interpretation guidelines (Richards et al. 2015 PMID: 25741868, with internal and published modifications).

NM_002332.3(LRP1):c.10806C>T (p.Asp3602=)

Gene: LRP1 (LDL receptor related protein 1; plus strand). Cytogenetic location: 12q13.3.
Variant type: single nucleotide variant.
Coding change: c.10806C>T on transcript NM_002332.3 (MANE Select); coding-DNA position 10806, C replaced by T.
Protein change: p.Asp3602=; no amino-acid change (aspartic acid 3602 retained).
Molecular consequence: synonymous variant.
Genome position (GRCh38, 1-based): chr12:57,203,275, C>T. VCF-style: chr12-57203275-C-T. GRCh37 (hg19) VCF-style: chr12-57597058-C-T.
Identifiers: ClinVar variation 735903 (VCV000735903.4), dbSNP rs139606559, ClinGen allele CA6645077.